The following is an entry in ClinVar:

ClinVar aggregate classification (germline): Uncertain significance (1 of 4 stars; one submission).

gnomAD v4.1: 1 of 1,614,162 alleles (0.000062%); highest among the groups gnomAD compares: Non-Finnish European, 0.000085%; no homozygotes.

Submission:

Labcorp Genetics (formerly Invitae), Labcorp
Classification: Uncertain significance. Last evaluated: 2022-08-17. Review status: criteria provided, single submitter. Criteria: Invitae Variant Classification Sherloc (09022015). Collection method: clinical testing. Allele origin: germline.
Comment: In summary, the available evidence is currently insufficient to determine the role of this variant in disease. Therefore, it has been classified as a Variant of Uncertain Significance. Advanced modeling of protein sequence and biophysical properties (such as structural, functional, and spatial information, amino acid conservation, physicochemical variation, residue mobility, and thermodynamic stability) performed at Invitae indicates that this missense variant is not expected to disrupt FAT4 protein function. This variant has not been reported in the literature in individuals affected with FAT4-related conditions. This variant is not present in population databases (gnomAD no frequency). This sequence change replaces histidine, which is basic and polar, with arginine, which is basic and polar, at codon 4008 of the FAT4 protein (p.His4008Arg).

NM_001291303.3(FAT4):c.12029A>G (p.His4010Arg)

Gene: FAT4 (FAT atypical cadherin 4; plus strand). Cytogenetic location: 4q28.1.
Variant type: single nucleotide variant.
Coding change: c.12029A>G on transcript NM_001291303.3 (MANE Select); coding-DNA position 12029, A replaced by G.
Protein change: p.His4010Arg; replaces histidine 4010 with arginine.
Molecular consequence: missense variant.
Genome position (GRCh38, 1-based): chr4:125,468,635, A>G. VCF-style: chr4-125468635-A-G. GRCh37 (hg19) VCF-style: chr4-126389790-A-G.
Other names: c.12029A>G, p.His4010Arg (NM_001291285.3); c.12023A>G, p.His4008Arg (NM_024582.6); short protein forms H4008R, H4010R.
Identifiers: ClinVar variation 1918978 (VCV001918978.5), dbSNP rs762314581, ClinGen allele CA358128029.